The following is an entry in ClinVar:

NM_002528.7(NTHL1):c.23_24del (p.Met8fs)

Gene: NTHL1 (nth like DNA glycosylase 1; minus strand). Cytogenetic location: 16p13.3.
Variant type: Deletion.
Coding change: c.23_24del on transcript NM_002528.7 (MANE Select); coding-DNA positions 23 to 24, 2 bases deleted (TG; older notation c.23_24delTG).
Protein change: p.Met8fs; shifts the reading frame from methionine 8.
Molecular consequence: frameshift variant. On other transcripts: 5 prime UTR variant (1).
Genome position (GRCh38, 1-based): chr16:2,047,800-2,047,801, CA deleted on the plus strand (TG on the coding strand, the reverse complement: NTHL1 is on the minus strand). VCF-style (leftmost placement, unchanged base first): chr16-2047799-GCA-G. GRCh37 (hg19) VCF-style: chr16-2097800-GCA-G.
Other names: c.23_24del, p.Met8fs (NM_001318193.2); c.-156_-155del (NM_001318194.2); short protein forms M8fs.
Identifiers: ClinVar variation 2980880 (VCV002980880.3), dbSNP rs2548332320, ClinGen allele CA2740096824.

ClinVar aggregate classification (germline): Pathogenic (1 of 4 stars; one submission).

Submission:

Labcorp Genetics (formerly Invitae), Labcorp
Classification: Pathogenic. Last evaluated: 2023-02-14. Review status: criteria provided, single submitter. Criteria: Invitae Variant Classification Sherloc (09022015). Collection method: clinical testing. Allele origin: germline.
Comment: For these reasons, this variant has been classified as Pathogenic. This variant has not been reported in the literature in individuals affected with NTHL1-related conditions. This variant is not present in population databases (gnomAD no frequency). This sequence change creates a premature translational stop signal (p.Met16Thrfs*17) in the NTHL1 gene. It is expected to result in an absent or disrupted protein product. Loss-of-function variants in NTHL1 are known to be pathogenic (PMID: 25938944, 26559593).

Literature cited by the submitters: PubMed 25938944; PubMed 26559593.